The following is an entry in ClinVar:

NM_001377.3(DYNC2H1):c.7273G>A (p.Val2425Ile)

Gene: DYNC2H1 (dynein cytoplasmic 2 heavy chain 1; plus strand). Cytogenetic location: 11q22.3.
Variant type: single nucleotide variant.
Coding change: c.7273G>A on transcript NM_001377.3 (MANE Select); coding-DNA position 7273, G replaced by A.
Protein change: p.Val2425Ile; replaces valine 2425 with isoleucine.
Molecular consequence: missense variant.
Genome position (GRCh38, 1-based): chr11:103,188,629, G>A. VCF-style: chr11-103188629-G-A. GRCh37 (hg19) VCF-style: chr11-103059358-G-A.
Other names: c.7273G>A, p.Val2425Ile (NM_001080463.2); c.7273G>A (NM_001080463.1); short protein forms V2425I.
Identifiers: ClinVar variation 2198262 (VCV002198262.2), dbSNP rs202120495, ClinGen allele CA6254191.

ClinVar aggregate classification (germline): Uncertain significance. Review status: criteria provided, multiple submitters, no conflicts (2 of 4 stars). 2 submissions from 2 submitters: Uncertain significance (2). Last evaluated 2025-04-13.

Conditions:
Inborn genetic diseases. Identifiers: MedGen C0950123, MeSH D030342.
Jeune thoracic dystrophy. Also called: Jeune syndrome; Infantile thoracic dystrophy; Thoracic pelvic phalangeal dystrophy; Jeune's syndrome; Chondroectodermal dysplasia-like syndrome; Short-rib thoracic dysplasia. Identifiers: Orphanet 474, MedGen C0265275, MONDO:0018770.

Allele frequency attached by ClinVar (database versions not stated): gnomAD exomes 0.00002; ExAC 0.00004; gnomAD 0.00005; 1000 Genomes Project 30x 0.00016; 1000 Genomes Project 0.00020.
gnomAD v4.1: 37 of 1,606,590 alleles (0.0023%); highest among the groups gnomAD compares: African/African-American, 0.0094%; no homozygotes.

Submissions (2):

Ambry Genetics
Classification: Uncertain significance for Inborn genetic diseases. Last evaluated: 2025-04-13. Review status: criteria provided, single submitter. Criteria: Ambry Variant Classification Scheme 2023. Collection method: clinical testing. Allele origin: germline.

Labcorp Genetics (formerly Invitae), Labcorp
Classification: Uncertain significance for Jeune thoracic dystrophy. Last evaluated: 2022-02-11. Review status: criteria provided, single submitter. Criteria: Invitae Variant Classification Sherloc (09022015). Collection method: clinical testing. Allele origin: germline.
Comment: This sequence change replaces valine, which is neutral and non-polar, with isoleucine, which is neutral and non-polar, at codon 2425 of the DYNC2H1 protein (p.Val2425Ile). This variant is present in population databases (rs202120495, gnomAD 0.005%). This variant has not been reported in the literature in individuals affected with DYNC2H1-related conditions. Advanced modeling of protein sequence and biophysical properties (such as structural, functional, and spatial information, amino acid conservation, physicochemical variation, residue mobility, and thermodynamic stability) performed at Invitae indicates that this missense variant is not expected to disrupt DYNC2H1 protein function. In summary, the available evidence is currently insufficient to determine the role of this variant in disease. Therefore, it has been classified as a Variant of Uncertain Significance.